The following is an entry in ClinVar:

ClinVar aggregate classification (germline): Pathogenic (1 of 4 stars; one submission).

Submission:

GeneDx
Classification: Pathogenic. Last evaluated: 2015-10-29. Review status: criteria provided, single submitter. Criteria: GeneDx Variant Classification (06012015). Collection method: clinical testing. Allele origin: germline. Affected: yes.
Comment: The c.64delA pathogenic variant in the ZEB2 gene has not been reported previously as a pathogenicvariant nor as a benign variant, to our knowledge. The c.64delA variant causes a frameshift startingwith codon Arginine 22, changes this amino acid to a Glycine residue, and creates a premature Stopcodon at position 5 of the new reading frame, denoted p.Arg22GlyfsX5. This deletion is predicted tocause loss of normal protein function either through protein truncation or nonsense-mediated mRNAdecay. The c.64delA variant was not observed in approximately 6,500 individuals of European andAfrican American ancestry in the NHLBI Exome Sequencing Project, indicating it is not a commonbenign variant in these populations. We interpret c.64delA as a pathogenic variant.

NM_014795.4(ZEB2):c.64del (p.Arg22fs)

Gene: ZEB2 (zinc finger E-box binding homeobox 2; minus strand). Cytogenetic location: 2q22.3.
Variant type: Deletion.
Coding change: c.64del on transcript NM_014795.4 (MANE Select); coding-DNA position 64, one base deleted (A; older notation c.64delA).
Protein change: p.Arg22fs; shifts the reading frame from arginine 22.
Molecular consequence: frameshift variant. On other transcripts: non-coding transcript variant (1).
Genome position (GRCh38, 1-based): chr2:144,517,287, T deleted on the plus strand (A on the coding strand, the reverse complement: ZEB2 is on the minus strand). VCF-style (leftmost placement, unchanged base first): chr2-144517286-CT-C. GRCh37 (hg19) VCF-style: chr2-145274853-CT-C.
Other names: c.64del, p.Arg22fs (NM_001171653.2); short protein forms R22fs.
Identifiers: ClinVar variation 430051 (VCV000430051.2), dbSNP rs1131691756, ClinGen allele CA645369270.